The following is an entry in ClinVar:

ClinVar aggregate classification (germline): Benign/Likely benign. Review status: criteria provided, multiple submitters, no conflicts (2 of 4 stars). 6 submissions from 6 submitters: Benign (5); Likely benign (1). Last evaluated 2026-02-03.

Conditions:
Autosomal recessive distal renal tubular acidosis. Identifiers: Orphanet 402041, MedGen C1864498, MONDO:0018440.

Allele frequency attached by ClinVar (database versions not stated): ESP Exome Variant Server 0.00092; gnomAD 0.00547 and 0.00577; TOPMed 0.01052; ExAC 0.01080; 1000 Genomes Project 0.01358; gnomAD exomes 0.01460; 1000 Genomes Project 30x 0.01577.

Submissions (6):

Labcorp Genetics (formerly Invitae), Labcorp
Classification: Benign. Last evaluated: 2026-02-03. Review status: criteria provided, single submitter. Criteria: Invitae Variant Classification Sherloc (09022015). Collection method: clinical testing. Allele origin: germline.

Blueprint Genetics
Classification: Likely benign. Last evaluated: 2024-11-23. Review status: criteria provided, single submitter. Criteria: ACMG Guidelines, 2015. Collection method: clinical testing. Allele origin: germline.

Mayo Clinic Laboratories, Mayo Clinic
Classification: Benign. Last evaluated: 2023-04-03. Review status: criteria provided, single submitter. Criteria: ACMG Guidelines, 2015. Collection method: clinical testing. Allele origin: germline. Observed: 5 variant alleles.

GeneDx
Classification: Benign. Last evaluated: 2021-01-10. Review status: criteria provided, single submitter. Criteria: GeneDx Variant Classification Process June 2021. Collection method: clinical testing. Allele origin: germline. Affected: yes.

Illumina Laboratory Services, Illumina
Classification: Benign for Renal tubular acidosis, distal, 3, with or without sensorineural hearing loss. Last evaluated: 2018-01-13. Review status: criteria provided, single submitter. Criteria: ICSL Variant Classification Criteria 13 December 2019. Collection method: clinical testing. Allele origin: germline.
Comment: This variant was observed in the ICSL laboratory as part of a predisposition screen in an ostensibly healthy population. It had not been previously curated by ICSL or reported in the Human Gene Mutation Database (HGMD: prior to June 1st, 2018), and was therefore a candidate for classification through an automated scoring system. Utilizing variant allele frequency, disease prevalence and penetrance estimates, and inheritance mode, an automated score was calculated to assess if this variant is too frequent to cause the disease. Based on the score and internal cut-off values, a variant classified as benign is not then subjected to further curation. The score for this variant resulted in a classification of benign for this disease.

Breakthrough Genomics
Classification: Benign. Review status: criteria provided, single submitter. Criteria: ACMG Guidelines, 2015. Collection method: not provided. Allele origin: germline. Inheritance: Autosomal recessive inheritance. Affected: yes.

NM_020632.3(ATP6V0A4):c.755C>G (p.Pro252Arg)

Gene: ATP6V0A4 (ATPase H+ transporting V0 subunit a4; minus strand). Cytogenetic location: 7q34.
Variant type: single nucleotide variant.
Coding change: c.755C>G on transcript NM_020632.3 (MANE Select); coding-DNA position 755, C replaced by G.
Protein change: p.Pro252Arg; replaces proline 252 with arginine.
Molecular consequence: missense variant.
Genome position (GRCh38, 1-based): chr7:138,755,750, G>C on the plus strand (C>G on the coding strand, the complement: ATP6V0A4 is on the minus strand). VCF-style: chr7-138755750-G-C. GRCh37 (hg19) VCF-style: chr7-138440495-G-C.
Other names: p.Pro252Arg; c.755C>G, p.Pro252Arg (NM_130840.3, NM_130841.3); short protein forms P252R.
Identifiers: ClinVar variation 359026 (VCV000359026.18), dbSNP rs61747681, ClinGen allele CA4505009.